The following is an entry in ClinVar:

ClinVar aggregate classification (germline): Uncertain significance (1 of 4 stars; one submission).

Conditions:
Familial thoracic aortic aneurysm and aortic dissection (TAAD). Also called: Thoracic aortic aneurysms and dissections. Identifiers: Orphanet 91387, MedGen C4707243, MONDO:0019625.

Submission:

Ambry Genetics
Classification: Uncertain significance for Familial thoracic aortic aneurysm and aortic dissection. Last evaluated: 2023-11-08. Review status: criteria provided, single submitter. Criteria: Ambry Variant Classification Scheme 2023. Collection method: clinical testing. Allele origin: germline.
Comment: The p.D1515E variant (also known as c.4545C>A), located in coding exon 31 of the MYH11 gene, results from a C to A substitution at nucleotide position 4545. The aspartic acid at codon 1515 is replaced by glutamic acid, an amino acid with highly similar properties. This amino acid position is conserved. In addition, the in silico prediction for this alteration is inconclusive. Since supporting evidence is limited at this time, the clinical significance of this alteration remains unclear.

NM_002474.3(MYH11):c.4545C>A (p.Asp1515Glu)

Genes: MYH11 (myosin heavy chain 11; minus strand), NDE1 (nudE neurodevelopment protein 1; plus strand). Cytogenetic location: 16p13.11.
Variant type: single nucleotide variant.
Coding change: c.4545C>A on transcript NM_002474.3 (MANE Select); coding-DNA position 4545, C replaced by A.
Protein change: p.Asp1515Glu; replaces aspartic acid 1515 with glutamic acid.
Molecular consequence: missense variant. On other transcripts: intron variant (2).
Genome position (GRCh38, 1-based): chr16:15,721,455, G>T on the plus strand (C>A on the coding strand, the complement: MYH11 is on the minus strand). VCF-style: chr16-15721455-G-T. GRCh37 (hg19) VCF-style: chr16-15815312-G-T.
Other names: c.948-2736G>T (NM_017668.3, NM_001143979.2); c.4566C>A, p.Asp1522Glu (NM_001040113.2, NM_001040114.2); c.4545C>A, p.Asp1515Glu (NM_022844.3); short protein forms D1515E, D1522E.
Identifiers: ClinVar variation 3222387 (VCV003222387.1), dbSNP rs2040477564, ClinGen allele CA394854905.
Genomic context (GRCh38, chr16:15,721,455, plus strand): 5'-CGAGAAAAACCACCCAGAGCCACTTACGTTCTTGCCCACGTCATCCTTGGAGCTGACCAG[G>T]TCTTCCATTTCGGCTTTGAGCATTTTGTTGGTCCGCTCGAGTTCCTCTTTGGCTTCCAAG-3'
Protein context (NP_002465.1, residues 1505-1525): TNKMLKAEME[Asp1515Glu]LVSSKDDVGK